The following is an entry in ClinVar:

ClinVar aggregate classification (germline): Uncertain significance (1 of 4 stars; one submission).

Conditions:
Familial intrahepatic cholestasis. Identifiers: Orphanet 284385, MedGen CN296401, MONDO:0017290.

gnomAD v4.1: 1 of 1,612,968 alleles (0.000062%); highest among the groups gnomAD compares: South Asian, 0.0011%; no homozygotes.

Submission:

Genomenon, Inc
Classification: Uncertain significance for Familial intrahepatic cholestasis. Last evaluated: 2026-04-14. Review status: criteria provided, single submitter. Criteria: Genomenon Sequence Variant Interpretation Standards - Updated. Collection method: curation. Allele origin: germline. Affected: yes.
Comment: ABCB11 p.Arg495Thr (c.1484G>C) is a missense variant that changes the amino acid at residue 495 from Arginine to Threonine. This variant has been observed in at least one proband with an ABCB11-related disorder (PMID:37697751). It has been observed in trans with a pathogenic or likely pathogenic variant (PMID:37697751). It is absent or not present at a significant frequency in gnomAD. In silico models predict that this variant is possibly or probably damaging. In conclusion, we classify ABCB11 p.Arg495Thr (c.1484G>C) as a variant of uncertain significance.

Literature cited by the submitters: PubMed 37697751.

NM_003742.4(ABCB11):c.1484G>C (p.Arg495Thr)

Gene: ABCB11 (ATP binding cassette subfamily B member 11; minus strand). Cytogenetic location: 2q31.1.
Variant type: single nucleotide variant.
Coding change: c.1484G>C on transcript NM_003742.4 (MANE Select); coding-DNA position 1484, G replaced by C.
Protein change: p.Arg495Thr; replaces arginine 495 with threonine.
Molecular consequence: missense variant.
Genome position (GRCh38, 1-based): chr2:168,972,001, C>G on the plus strand (G>C on the coding strand, the complement: ABCB11 is on the minus strand). VCF-style: chr2-168972001-C-G. GRCh37 (hg19) VCF-style: chr2-169828511-C-G.
Other names: short protein forms R495T.
Identifiers: ClinVar variation 4846158 (VCV004846158.1).